The following is an entry in ClinVar:

ClinVar aggregate classification (germline): Uncertain significance (1 of 4 stars; one submission).

Conditions:
Congenital hypogonadotropic hypogonadism. Identifiers: Orphanet 174590, MedGen C3899503, MONDO:0015770.

Submission:

Department of Pediatrics, Asan Medical Center, University of Ulsan College of Medicine
Classification: Uncertain significance for Congenital hypogonadotropic hypogonadism. Last evaluated: 2026-07-19. Review status: criteria provided, single submitter. Criteria: ACMG Guidelines, 2015. Collection method: research. Allele origin: germline. Inheritance: X-linked recessive inheritance. Affected: yes. Observed: 1 hemizygote.
Comment: ACMG/AMP evidence codes: PM2_Supporting. In silico predictions: CADD 25.4, PolyPhen-2 probably damaging, SIFT damaging, REVEL 0.183, MutationTaster polymorphism. gnomAD MAF (East Asian): 0.000265. Novel variant.

NM_001555.5(IGSF1):c.3749C>T (p.Ala1250Val)

Gene: IGSF1 (immunoglobulin superfamily member 1; minus strand). Cytogenetic location: Xq26.1.
Variant type: single nucleotide variant.
Coding change: c.3749C>T on transcript NM_001555.5 (MANE Select); coding-DNA position 3749, C replaced by T.
Protein change: p.Ala1250Val; replaces alanine 1250 with valine.
Molecular consequence: missense variant.
Genome position (GRCh38, 1-based): chrX:131,274,601, G>A on the plus strand (C>T on the coding strand, the complement: IGSF1 is on the minus strand). VCF-style: chrX-131274601-G-A. GRCh37 (hg19) VCF-style: chrX-130408575-G-A.
Other names: c.3764C>T, p.Ala1255Val (NM_001170961.2, NM_001438811.1); c.3722C>T, p.Ala1241Val (NM_001170962.2); c.3749C>T, p.Ala1250Val (NM_001438812.1, NM_001438813.1); c.3515C>T, p.Ala1172Val (NM_001438814.1); c.3500C>T, p.Ala1167Val (NM_001438815.1); short protein forms A1167V, A1172V, A1241V, A1250V, A1255V.
Identifiers: ClinVar variation 4879465 (VCV004879465.1).